The following is an entry in ClinVar:

NM_001009944.3(PKD1):c.10694T>C (p.Leu3565Pro)

Genes: PKD1 (polycystin 1, transient receptor potential channel interacting; minus strand), PKD1-AS1 (PKD1 antisense RNA 1; plus strand). Cytogenetic location: 16p13.3.
Variant type: single nucleotide variant.
Coding change: c.10694T>C on transcript NM_001009944.3 (MANE Select); coding-DNA position 10694, T replaced by C.
Protein change: p.Leu3565Pro; replaces leucine 3565 with proline.
Molecular consequence: missense variant.
Genome position (GRCh38, 1-based): chr16:2,093,938, A>G on the plus strand (T>C on the coding strand, the complement: PKD1 is on the minus strand). VCF-style: chr16-2093938-A-G. GRCh37 (hg19) VCF-style: chr16-2143939-A-G.
Other names: c.10691T>C, p.Leu3564Pro (NM_000296.4); short protein forms L3565P, L3564P.
Identifiers: ClinVar variation 4996022 (VCV004996022.1).

ClinVar aggregate classification (germline): Uncertain significance (1 of 4 stars; one submission).

Conditions:
PKD1-related disorder. Also called: PKD1-related condition.

Submission:

PreventionGenetics, part of Exact Sciences
Classification: Uncertain significance for PKD1-related condition. Last evaluated: 2025-10-22. Review status: criteria provided, single submitter. Criteria: ACMG Guidelines, 2015. Collection method: clinical testing. Allele origin: germline.
Comment: The PKD1 c.10694T>C variant is predicted to result in the amino acid substitution p.Leu3565Pro. To our knowledge, this variant has not been reported in the literature or in a large population database (gnomAD), indicating this variant is rare. An alternate missense change at the same amino acid position (c.10694T>G, p.Leu3565Arg) has been reported in an individual with polycystic kidney disease (Domingo-Gallego et al. 2022. PubMed ID: 33532864). At this time, the clinical significance of the p.Leu3565Pro variant is uncertain due to the absence of conclusive functional and genetic evidence.